The following is an entry in ClinVar:

NM_015158.5(KANK1):c.516G>T (p.Met172Ile)

Gene: KANK1 (KN motif and ankyrin repeat domains 1; plus strand). Cytogenetic location: 9p24.3.
Variant type: single nucleotide variant.
Coding change: c.516G>T on transcript NM_015158.5 (MANE Select); coding-DNA position 516, G replaced by T.
Protein change: p.Met172Ile; replaces methionine 172 with isoleucine.
Molecular consequence: missense variant. On other transcripts: non-coding transcript variant (1).
Genome position (GRCh38, 1-based): chr9:711,282, G>T. VCF-style: chr9-711282-G-T. GRCh37 (hg19) VCF-style: chr9-711282-G-T.
Other names: c.42G>T, p.Met14Ile (NM_001354340.2, NM_001354341.2, NM_001354342.2 and 9 more transcripts); c.516G>T, p.Met172Ile (NM_001256876.3, NM_001256877.3, NM_001354331.2 and 2 more transcripts); short protein forms M14I, M172I.
Identifiers: ClinVar variation 1444237 (VCV001444237.6), dbSNP rs1375421263, ClinGen allele CA372746317.

ClinVar aggregate classification (germline): Uncertain significance (1 of 4 stars; one submission).

Submission:

Labcorp Genetics (formerly Invitae), Labcorp
Classification: Uncertain significance. Last evaluated: 2021-12-02. Review status: criteria provided, single submitter. Criteria: Invitae Variant Classification Sherloc (09022015). Collection method: clinical testing. Allele origin: germline.
Comment: Algorithms developed to predict the effect of missense changes on protein structure and function (SIFT, PolyPhen-2, Align-GVGD) all suggest that this variant is likely to be tolerated. In summary, the available evidence is currently insufficient to determine the role of this variant in disease. Therefore, it has been classified as a Variant of Uncertain Significance. This variant has not been reported in the literature in individuals affected with KANK1-related conditions. This sequence change replaces methionine, which is neutral and non-polar, with isoleucine, which is neutral and non-polar, at codon 172 of the KANK1 protein (p.Met172Ile). This variant is not present in population databases (gnomAD no frequency).